The following is an entry in ClinVar:

ClinVar aggregate classification (germline): Uncertain significance (1 of 4 stars; one submission).

Conditions:
Aortic aneurysm, familial thoracic 7 (AAT7). Also called: AORTIC DISSECTION, FAMILIAL, WITH OR WITHOUT AORTIC ANEURYSM. Identifiers: MedGen C3151077, MONDO:0013418, OMIM 613780.

Submission:

Labcorp Genetics (formerly Invitae), Labcorp
Classification: Uncertain significance for Aortic aneurysm, familial thoracic 7. Last evaluated: 2022-04-26. Review status: criteria provided, single submitter. Criteria: Invitae Variant Classification Sherloc (09022015). Collection method: clinical testing. Allele origin: germline.
Comment: This sequence change replaces aspartic acid, which is acidic and polar, with glutamic acid, which is acidic and polar, at codon 1526 of the MYLK protein (p.Asp1526Glu). This variant is not present in population databases (gnomAD no frequency). This variant has not been reported in the literature in individuals affected with MYLK-related conditions. Advanced modeling of protein sequence and biophysical properties (such as structural, functional, and spatial information, amino acid conservation, physicochemical variation, residue mobility, and thermodynamic stability) performed at Invitae indicates that this missense variant is not expected to disrupt MYLK protein function. In summary, the available evidence is currently insufficient to determine the role of this variant in disease. Therefore, it has been classified as a Variant of Uncertain Significance.

NM_053025.4(MYLK):c.4578T>A (p.Asp1526Glu)

Gene: MYLK (myosin light chain kinase; minus strand). Cytogenetic location: 3q21.1.
Variant type: single nucleotide variant.
Coding change: c.4578T>A on transcript NM_053025.4 (MANE Select); coding-DNA position 4578, T replaced by A.
Protein change: p.Asp1526Glu; replaces aspartic acid 1526 with glutamic acid.
Molecular consequence: missense variant.
Genome position (GRCh38, 1-based): chr3:123,647,265, A>T on the plus strand (T>A on the coding strand, the complement: MYLK is on the minus strand). VCF-style: chr3-123647265-A-T. GRCh37 (hg19) VCF-style: chr3-123366112-A-T.
Other names: c.4050T>A, p.Asp1350Glu (NM_001321309.2); c.4371T>A, p.Asp1457Glu (NM_053026.4, NM_053028.4); c.4578T>A, p.Asp1526Glu (NM_053027.4); short protein forms D1350E, D1457E, D1526E.
Identifiers: ClinVar variation 2157026 (VCV002157026.4), dbSNP rs2059052934, ClinGen allele CA354227031.